The following is an entry in ClinVar:

NM_015215.4(CAMTA1):c.1603G>A (p.Glu535Lys)

Gene: CAMTA1 (calmodulin binding transcription activator 1; plus strand). Cytogenetic location: 1p36.23.
Variant type: single nucleotide variant.
Coding change: c.1603G>A on transcript NM_015215.4 (MANE Select); coding-DNA position 1603, G replaced by A.
Protein change: p.Glu535Lys; replaces glutamic acid 535 with lysine.
Molecular consequence: missense variant.
Genome position (GRCh38, 1-based): chr1:7,664,150, G>A. VCF-style: chr1-7664150-G-A. GRCh37 (hg19) VCF-style: chr1-7724210-G-A.
Other names: c.1513G>A, p.Glu505Lys (NM_001349608.2, NM_001349612.2); c.1603G>A, p.Glu535Lys (NM_001349609.2, NM_001349610.2, NM_001410737.1); c.1531G>A, p.Glu511Lys (NM_001410738.1); c.1603G>A (NM_015215.2); short protein forms E505K, E511K, E535K.
Identifiers: ClinVar variation 2729030 (VCV002729030.22), dbSNP rs746906253, ClinGen allele CA566472.

ClinVar aggregate classification (germline): Uncertain significance. Review status: criteria provided, multiple submitters, no conflicts (2 of 4 stars). 3 submissions from 3 submitters: Uncertain significance (3). Last evaluated 2025-12-20.

Conditions:
Inborn genetic diseases. Identifiers: MedGen C0950123, MeSH D030342.

Allele frequency attached by ClinVar (database versions not stated): ExAC 0.00001; gnomAD exomes 0.00002; TOPMed 0.00002; gnomAD 0.00003.
gnomAD v4.1: 35 of 1,612,970 alleles (0.0022%); highest among the groups gnomAD compares: Non-Finnish European, 0.0029%; no homozygotes.

Submissions (3):

Labcorp Genetics (formerly Invitae), Labcorp
Classification: Uncertain significance. Last evaluated: 2025-12-20. Review status: criteria provided, single submitter. Criteria: Invitae Variant Classification Sherloc (09022015). Collection method: clinical testing. Allele origin: germline.
Comment: This sequence change replaces glutamic acid, which is acidic and polar, with lysine, which is basic and polar, at codon 535 of the CAMTA1 protein (p.Glu535Lys). This variant is present in population databases (rs746906253, gnomAD 0.002%). This variant has not been reported in the literature in individuals affected with CAMTA1-related conditions. ClinVar contains an entry for this variant (Variation ID: 2729030). Invitae Evidence Modeling of protein sequence and biophysical properties (such as structural, functional, and spatial information, amino acid conservation, physicochemical variation, residue mobility, and thermodynamic stability) indicates that this missense variant is expected to disrupt CAMTA1 protein function with a positive predictive value of 80%. In summary, the available evidence is currently insufficient to determine the role of this variant in disease. Therefore, it has been classified as a Variant of Uncertain Significance.

CeGaT Center for Human Genetics Tuebingen
Classification: Uncertain significance. Last evaluated: 2024-06-01. Review status: criteria provided, single submitter. Criteria: CeGaT Center For Human Genetics Tuebingen Variant Classification Criteria Version 2. Collection method: clinical testing. Allele origin: germline. Affected: yes. Observed: 1 variant allele.

Ambry Genetics
Classification: Uncertain significance for Inborn genetic diseases. Last evaluated: 2024-05-06. Review status: criteria provided, single submitter. Criteria: Ambry Variant Classification Scheme 2023. Collection method: clinical testing. Allele origin: germline.